The following is an entry in ClinVar:

NM_001256789.3(CACNA1F):c.2659T>G (p.Ser887Ala)

Gene: CACNA1F (calcium voltage-gated channel subunit alpha1 F; minus strand). Cytogenetic location: Xp11.23.
Variant type: single nucleotide variant.
Coding change: c.2659T>G on transcript NM_001256789.3 (MANE Select); coding-DNA position 2659, T replaced by G.
Protein change: p.Ser887Ala; replaces serine 887 with alanine.
Molecular consequence: missense variant.
Genome position (GRCh38, 1-based): chrX:49,219,335, A>C on the plus strand (T>G on the coding strand, the complement: CACNA1F is on the minus strand). VCF-style: chrX-49219335-A-C. GRCh37 (hg19) VCF-style: chrX-49075794-A-C.
Other names: c.2497T>G, p.Ser833Ala (NM_001256790.3); c.2692T>G, p.Ser898Ala (NM_005183.4); short protein forms S898A, S833A, S887A.
Identifiers: ClinVar variation 1960700 (VCV001960700.5), dbSNP rs2520925031, ClinGen allele CA412965187.

ClinVar aggregate classification (germline): Uncertain significance (1 of 4 stars; one submission).

Submission:

Labcorp Genetics (formerly Invitae), Labcorp
Classification: Uncertain significance. Last evaluated: 2022-07-12. Review status: criteria provided, single submitter. Criteria: Invitae Variant Classification Sherloc (09022015). Collection method: clinical testing. Allele origin: germline.
Comment: This variant is not present in population databases (gnomAD no frequency). In summary, the available evidence is currently insufficient to determine the role of this variant in disease. Therefore, it has been classified as a Variant of Uncertain Significance. Algorithms developed to predict the effect of missense changes on protein structure and function are either unavailable or do not agree on the potential impact of this missense change (SIFT: "Deleterious"; PolyPhen-2: "Benign"; Align-GVGD: "Class C15"). This variant has not been reported in the literature in individuals affected with CACNA1F-related conditions. This sequence change replaces serine, which is neutral and polar, with alanine, which is neutral and non-polar, at codon 898 of the CACNA1F protein (p.Ser898Ala).